The following is an entry in ClinVar:

NM_015488.5(PNKD):c.544C>T (p.Arg182Cys)

Genes: CATIP-AS2 (CATIP antisense RNA 2; minus strand), PNKD (PNKD metallo-beta-lactamase domain containing; plus strand). Cytogenetic location: 2q35.
Variant type: single nucleotide variant.
Coding change: c.544C>T on transcript NM_015488.5 (MANE Select); coding-DNA position 544, C replaced by T.
Protein change: p.Arg182Cys; replaces arginine 182 with cysteine.
Molecular consequence: missense variant.
Genome position (GRCh38, 1-based): chr2:218,341,553, C>T. VCF-style: chr2-218341553-C-T. GRCh37 (hg19) VCF-style: chr2-219206276-C-T.
Other names: c.472C>T, p.Arg158Cys (NM_022572.5); short protein forms R158C, R182C.
Identifiers: ClinVar variation 1446339 (VCV001446339.5), dbSNP rs1401462536, ClinGen allele CA350540369.

ClinVar aggregate classification (germline): Uncertain significance (1 of 4 stars; one submission).

Conditions:
Paroxysmal nonkinesigenic dyskinesia. Also called: Paroxysmal non-kinesigenic dyskinesia. Identifiers: Orphanet 98810, MedGen C1869117, MONDO:0700088.

Allele frequency attached by ClinVar (database versions not stated): gnomAD exomes below 0.00001; TOPMed below 0.00001; gnomAD 0.00001.
gnomAD v4.1: 6 of 1,601,264 alleles (0.00037%); highest among the groups gnomAD compares: African/African-American, 0.0013%; no homozygotes.

Submission:

Labcorp Genetics (formerly Invitae), Labcorp
Classification: Uncertain significance for Paroxysmal nonkinesigenic dyskinesia. Last evaluated: 2021-09-17. Review status: criteria provided, single submitter. Criteria: Invitae Variant Classification Sherloc (09022015). Collection method: clinical testing. Allele origin: germline.
Comment: This sequence change replaces arginine with cysteine at codon 182 of the PNKD protein (p.Arg182Cys). The arginine residue is moderately conserved and there is a large physicochemical difference between arginine and cysteine. This variant is not present in population databases (ExAC no frequency). This variant has not been reported in the literature in individuals affected with PNKD-related conditions. Algorithms developed to predict the effect of missense changes on protein structure and function are either unavailable or do not agree on the potential impact of this missense change (SIFT: "Deleterious"; PolyPhen-2: "Possibly Damaging"; Align-GVGD: "Class C0"). In summary, the available evidence is currently insufficient to determine the role of this variant in disease. Therefore, it has been classified as a Variant of Uncertain Significance.